The following is an entry in ClinVar:

ClinVar aggregate classification (germline): Benign/Likely benign. Review status: criteria provided, multiple submitters, no conflicts (2 of 4 stars). 4 submissions from 4 submitters: Benign (1); Likely benign (3). Last evaluated 2026-01-31.

Conditions:
Familial cancer of breast. Also called: hereditary breast carcinoma; Hereditary breast cancer; BREAST CANCER, FAMILIAL. Identifiers: Orphanet 227535, MedGen C0346153, MONDO:0016419, OMIM 114480. Disease mechanism: loss of function.
Hereditary cancer-predisposing syndrome. Also called: Neoplastic Syndromes, Hereditary; Hereditary neoplastic syndrome; Hereditary Cancer Syndrome; Tumor predisposition. Identifiers: Orphanet 140162, MedGen C0027672, MeSH D009386, MONDO:0015356.
Ataxia-telangiectasia syndrome (AT). Also called: Ataxia-telangiectasia, complementation group D; Ataxia-telangiectasia, complementation group E; LOUIS-BAR SYNDROME; AT, COMPLEMENTATION GROUP C; ATAXIA-TELANGIECTASIA, COMPLEMENTATION GROUP A; ATAXIA-TELANGIECTASIA, FRESNO VARIANT. Identifiers: Orphanet 100, MedGen C0004135, MONDO:0008840, OMIM 208900.

Allele frequency attached by ClinVar (database versions not stated): TOPMed below 0.00001; gnomAD exomes below 0.00001.
gnomAD v4.1: 1 of 1,613,888 alleles (0.000062%); highest among the groups gnomAD compares: Admixed American, 0.0017%; no homozygotes.

Submissions (4):

Labcorp Genetics (formerly Invitae), Labcorp
Classification: Likely benign for Ataxia-telangiectasia syndrome. Last evaluated: 2026-01-31. Review status: criteria provided, single submitter. Criteria: Invitae Variant Classification Sherloc (09022015). Collection method: clinical testing. Allele origin: germline.

Myriad Genetics, Inc.
Classification: Benign for Familial cancer of breast. Last evaluated: 2024-06-20. Review status: criteria provided, single submitter. Criteria: Myriad Autosomal Dominant, Autosomal Recessive and X-Linked Classification Criteria (2023). Collection method: clinical testing. Allele origin: unknown.
Comment: This variant is considered benign. This variant is a silent/synonymous amino acid change and it is not expected to impact splicing.

Ambry Genetics
Classification: Likely benign for Hereditary cancer-predisposing syndrome. Last evaluated: 2018-08-07. Review status: criteria provided, single submitter. Criteria: Ambry Variant Classification Scheme 2023. Collection method: clinical testing. Allele origin: germline.

GeneDx
Classification: Likely benign. Last evaluated: 2016-09-20. Review status: criteria provided, single submitter. Criteria: GeneDx Variant Classification (06012015). Collection method: clinical testing. Allele origin: germline. Affected: yes.
Comment: This variant is considered likely benign or benign based on one or more of the following criteria: it is a conservative change, it occurs at a poorly conserved position in the protein, it is predicted to be benign by multiple in silico algorithms, and/or has population frequency not consistent with disease.

NM_000051.4(ATM):c.8526A>G (p.Pro2842=)

Genes: ATM (ATM serine/threonine kinase; plus strand), C11orf65 (chromosome 11 open reading frame 65; minus strand). Cytogenetic location: 11q22.3.
Variant type: single nucleotide variant.
Coding change: c.8526A>G on transcript NM_000051.4 (MANE Select); coding-DNA position 8526, A replaced by G.
Protein change: p.Pro2842=; no amino-acid change (proline 2842 retained).
Molecular consequence: synonymous variant. On other transcripts: intron variant (2).
Genome position (GRCh38, 1-based): chr11:108,345,850, A>G. VCF-style: chr11-108345850-A-G. GRCh37 (hg19) VCF-style: chr11-108216577-A-G.
Other names: c.8526A>G, p.Pro2842= (NM_001351834.2); c.641-36779T>C (NM_001330368.2); c.695-10558T>C (NM_001351110.2).
Identifiers: ClinVar variation 379174 (VCV000379174.12), dbSNP rs900737596, ClinGen allele CA16606136.